The following is an entry in ClinVar:

NM_001366028.2(DNAH12):c.672T>G (p.Asp224Glu)

Gene: DNAH12 (dynein axonemal heavy chain 12; minus strand). Cytogenetic location: 3p14.3.
Variant type: single nucleotide variant.
Coding change: c.672T>G on transcript NM_001366028.2 (MANE Select); coding-DNA position 672, T replaced by G.
Protein change: p.Asp224Glu; replaces aspartic acid 224 with glutamic acid.
Molecular consequence: missense variant.
Genome position (GRCh38, 1-based): chr3:57,508,411, A>C on the plus strand (T>G on the coding strand, the complement: DNAH12 is on the minus strand). VCF-style: chr3-57508411-A-C. GRCh37 (hg19) VCF-style: chr3-57494138-A-C.
Other names: c.672T>G, p.Asp224Glu (NM_198564.4); short protein forms D224E.
Identifiers: ClinVar variation 402643 (VCV000402643.5), dbSNP rs6445902, ClinGen allele CA2465449.

ClinVar aggregate classification (germline): Benign. Review status: criteria provided, multiple submitters, no conflicts (2 of 4 stars). 2 submissions from 2 submitters: Benign (2). Last evaluated 2016-03-29.

Allele frequency attached by ClinVar (database versions not stated): gnomAD exomes 0.17924 and 0.18385; ExAC 0.18696; 1000 Genomes Project 0.23562; 1000 Genomes Project 30x 0.24250; gnomAD 0.25591 and 0.26423; TOPMed 0.26591; ESP Exome Variant Server 0.28526.
gnomAD v4.1: 306,316 of 1,605,692 alleles (19%); highest among the groups gnomAD compares: African/African-American, 48%; 33,301 homozygotes.

Submissions (2):

Laboratory for Molecular Medicine, Mass General Brigham Personalized Medicine
Classification: Benign. Last evaluated: 2016-03-29. Review status: criteria provided, single submitter. Criteria: LMM Criteria. Collection method: clinical testing. Allele origin: germline.
Comment: Variant identified in a genome or exome case(s) and assessed due to predicted null impact of the variant or pathogenic assertions in the literature or databases. Disclaimer: This variant has not undergone full assessment. The following are preliminary notes: Frequency

Breakthrough Genomics
Classification: Benign. Review status: criteria provided, single submitter. Criteria: ACMG Guidelines, 2015. Collection method: not provided. Allele origin: germline. Inheritance: Unknown mechanism. Affected: yes.